The following is an entry in ClinVar:

NM_001367624.2(ZNF469):c.535G>A (p.Gly179Ser)

Gene: ZNF469 (zinc finger protein 469; plus strand). Cytogenetic location: 16q24.2.
Variant type: single nucleotide variant.
Coding change: c.535G>A on transcript NM_001367624.2 (MANE Select); coding-DNA position 535, G replaced by A.
Protein change: p.Gly179Ser; replaces glycine 179 with serine.
Molecular consequence: missense variant.
Genome position (GRCh38, 1-based): chr16:88,428,005, G>A. VCF-style: chr16-88428005-G-A. GRCh37 (hg19) VCF-style: chr16-88494413-G-A.
Other names: NM_001127464.1:c.535G>A; short protein forms G179S.
Identifiers: ClinVar variation 2430952 (VCV002430952.4), dbSNP rs1416273781, ClinGen allele CA397060535.
Genomic context (GRCh38, chr16:88,428,005, plus strand): 5'-GGAGCTCCACTCAGGCCGGGCCTCCCAAGGACTGAGGCCCAACCCGCCGCCGAAGAGCTT[G>A]GCTTCCACAGGTGCTTCCAGGAGCCACCCTCCAGCTTTACCTCCACCAACTATACCTCAC-3'
Protein context (NP_001354553.1, residues 169-189): TEAQPAAEEL[Gly179Ser]FHRCFQEPPS

ClinVar aggregate classification (germline): Conflicting classifications of pathogenicity. Review status: criteria provided, conflicting classifications (1 of 4 stars). 2 submissions from 2 submitters: Uncertain significance (1); Likely benign (1). Last evaluated 2025-01-19.

Conditions:
Cardiovascular phenotype. Identifiers: MedGen CN230736.

Allele frequency attached by ClinVar (database versions not stated): gnomAD exomes below 0.00001.
gnomAD v4.1: 2 of 1,549,968 alleles (0.00013%); highest among the groups gnomAD compares: Admixed American, 0.0039%; no homozygotes.

Submissions (2):

Ambry Genetics
Classification: Likely benign for Cardiovascular phenotype. Last evaluated: 2025-01-19. Review status: criteria provided, single submitter. Criteria: Ambry Variant Classification Scheme 2023. Collection method: clinical testing. Allele origin: germline.

GeneDx
Classification: Uncertain significance. Last evaluated: 2022-08-24. Review status: criteria provided, single submitter. Criteria: GeneDx Variant Classification Process June 2021. Collection method: clinical testing. Allele origin: germline. Affected: yes.
Comment: Not observed at significant frequency in large population cohorts (gnomAD); In silico analysis supports that this missense variant does not alter protein structure/function; Has not been previously published as pathogenic or benign to our knowledge